The following is an entry in ClinVar:

NM_020318.3(PAPPA2):c.641G>T (p.Gly214Val)

Genes: PAPPA2 (pappalysin 2; plus strand), LOC126805929 (MED14-independent group 3 enhancer GRCh37_chr1:176525984-176527183; plus strand). Cytogenetic location: 1q25.2.
Variant type: single nucleotide variant.
Coding change: c.641G>T on transcript NM_020318.3 (MANE Select); coding-DNA position 641, G replaced by T.
Protein change: p.Gly214Val; replaces glycine 214 with valine.
Molecular consequence: missense variant.
Genome position (GRCh38, 1-based): chr1:176,556,963, G>T. VCF-style: chr1-176556963-G-T. GRCh37 (hg19) VCF-style: chr1-176526099-G-T.
Other names: c.641G>T, p.Gly214Val (NM_021936.3); short protein forms G214V.
Identifiers: ClinVar variation 2477209 (VCV002477209.9), dbSNP rs766777308, ClinGen allele CA1257125.

ClinVar aggregate classification (germline): Uncertain significance. Review status: criteria provided, multiple submitters, no conflicts (2 of 4 stars). 2 submissions from 2 submitters: Uncertain significance (2). Last evaluated 2025-10-01.

Conditions:
Inborn genetic diseases. Identifiers: MedGen C0950123, MeSH D030342.

Allele frequency attached by ClinVar (database versions not stated): gnomAD exomes 0.00001; ExAC 0.00002; TOPMed 0.00007; gnomAD 0.00008.
gnomAD v4.1: 24 of 1,613,954 alleles (0.0015%); highest among the groups gnomAD compares: African/African-American, 0.028%; no homozygotes.

Submissions (2):

CeGaT Center for Human Genetics Tuebingen
Classification: Uncertain significance. Last evaluated: 2025-10-01. Review status: criteria provided, single submitter. Criteria: CeGaT Center For Human Genetics Tuebingen Variant Classification Criteria Version 2. Collection method: clinical testing. Allele origin: germline. Affected: yes. Observed: 1 variant allele.
Comment: PAPPA2: PM2, BP4

Ambry Genetics
Classification: Uncertain significance for Inborn genetic diseases. Last evaluated: 2025-08-02. Review status: criteria provided, single submitter. Criteria: Ambry Variant Classification Scheme 2023. Collection method: clinical testing. Allele origin: germline.